The following is an entry in ClinVar:

ClinVar aggregate classification (germline): Uncertain significance. Review status: criteria provided, multiple submitters, no conflicts (2 of 4 stars). 3 submissions from 3 submitters: Uncertain significance (3). Last evaluated 2026-01-19.

Conditions:
Neurodevelopmental disorder with cerebellar atrophy and with or without seizures. Identifiers: MedGen C4748032, MONDO:0020841, OMIM 618056.
Neonatal-onset encephalopathy with rigidity and seizures. Also called: Lethal neonatal spasticity-epileptic encephalopathy syndrome. Identifiers: Orphanet 435845, MedGen C3281029, MONDO:0013784, OMIM 614498.

Allele frequency attached by ClinVar (database versions not stated): gnomAD 0.00002; gnomAD exomes 0.00005 and 0.00014; TOPMed 0.00006; ExAC 0.00021.

Submissions (3):

Labcorp Genetics (formerly Invitae), Labcorp
Classification: Uncertain significance for Neonatal-onset encephalopathy with rigidity and seizures. Last evaluated: 2026-01-19. Review status: criteria provided, single submitter. Criteria: Invitae Variant Classification Sherloc (09022015). Collection method: clinical testing. Allele origin: germline.
Comment: This sequence change replaces proline, which is neutral and non-polar, with serine, which is neutral and polar, at codon 117 of the BRAT1 protein (p.Pro117Ser). This variant is present in population databases (rs767516238, gnomAD 0.1%). This variant has not been reported in the literature in individuals affected with BRAT1-related conditions. ClinVar contains an entry for this variant (Variation ID: 578193). Invitae Evidence Modeling of protein sequence and biophysical properties (such as structural, functional, and spatial information, amino acid conservation, physicochemical variation, residue mobility, and thermodynamic stability) has been performed for this missense variant. However, the output from this modeling did not meet the statistical confidence thresholds required to predict the impact of this variant on BRAT1 protein function. In summary, the available evidence is currently insufficient to determine the role of this variant in disease. Therefore, it has been classified as a Variant of Uncertain Significance.

GeneDx
Classification: Uncertain significance. Last evaluated: 2023-07-27. Review status: criteria provided, single submitter. Criteria: GeneDx Variant Classification Process June 2021. Collection method: clinical testing. Allele origin: germline. Affected: yes.
Comment: In silico analysis supports that this missense variant does not alter protein structure/function; Has not been previously published as pathogenic or benign to our knowledge

Baylor Genetics
Classification: Uncertain significance for Neurodevelopmental disorder with cerebellar atrophy and with or without seizures. Last evaluated: 2019-05-04. Review status: criteria provided, single submitter. Criteria: ACMG Guidelines, 2015. Collection method: clinical testing. Allele origin: maternal. Affected: yes.
Comment: This variant was determined to be of uncertain significance according to ACMG Guidelines, 2015 [PMID:25741868].

NM_152743.4(BRAT1):c.349C>T (p.Pro117Ser)

Gene: BRAT1 (BRCA1 associated ATM activator 1; minus strand). Cytogenetic location: 7p22.3.
Variant type: single nucleotide variant.
Coding change: c.349C>T on transcript NM_152743.4 (MANE Select); coding-DNA position 349, C replaced by T.
Protein change: p.Pro117Ser; replaces proline 117 with serine.
Molecular consequence: missense variant. On other transcripts: non-coding transcript variant (1), intron variant (1).
Genome position (GRCh38, 1-based): chr7:2,544,990, G>A on the plus strand (C>T on the coding strand, the complement: BRAT1 is on the minus strand). VCF-style: chr7-2544990-G-A. GRCh37 (hg19) VCF-style: chr7-2584624-G-A.
Other names: c.349C>T, p.Pro117Ser (NM_001350626.2); c.-95-1028C>T (NM_001350627.2); short protein forms P117S.
Identifiers: ClinVar variation 578193 (VCV000578193.9), dbSNP rs767516238, ClinGen allele CA4128231.